The following is an entry in ClinVar:

ClinVar aggregate classification (germline): Pathogenic (1 of 4 stars; one submission).

Submission:

Labcorp Genetics (formerly Invitae), Labcorp
Classification: Pathogenic. Last evaluated: 2022-03-16. Review status: criteria provided, single submitter. Criteria: Invitae Variant Classification Sherloc (09022015). Collection method: clinical testing. Allele origin: germline.
Comment: For these reasons, this variant has been classified as Pathogenic. This variant has not been reported in the literature in individuals affected with NDUFAF5-related conditions. This variant is not present in population databases (gnomAD no frequency). This sequence change creates a premature translational stop signal (p.Arg36Alafs*9) in the NDUFAF5 gene. It is expected to result in an absent or disrupted protein product. Loss-of-function variants in NDUFAF5 are known to be pathogenic (PMID: 26275793, 30473481, 32918965).

Literature cited by the submitters: PubMed 26275793; PubMed 30473481; PubMed 32918965.

NM_024120.5(NDUFAF5):c.102del (p.Arg36fs)

Genes: NDUFAF5 (NADH:ubiquinone oxidoreductase complex assembly factor 5; plus strand), LOC130065433 (ATAC-STARR-seq lymphoblastoid active region 17552; plus strand). Cytogenetic location: 20p12.1.
Variant type: Deletion.
Coding change: c.102del on transcript NM_024120.5 (MANE Select); coding-DNA position 102, one base deleted (T; older notation c.102delT).
Protein change: p.Arg36fs; shifts the reading frame from arginine 36.
Molecular consequence: frameshift variant. On other transcripts: 5 prime UTR variant (3), non-coding transcript variant (7).
Genome position (GRCh38, 1-based): chr20:13,785,170, T deleted. VCF-style (leftmost placement, unchanged base first): chr20-13785169-CT-C. GRCh37 (hg19) VCF-style: chr20-13765815-CT-C.
Other names: c.102del, p.Arg36fs (NM_001039375.3, NM_001352408.2); c.-266del (NM_001352403.2); c.-480del (NM_001352406.2); c.-594del (NM_001352407.2); short protein forms R36fs.
Identifiers: ClinVar variation 2112965 (VCV002112965.4), dbSNP rs2476410487, ClinGen allele CA2580097876.